The following is an entry in ClinVar:

NM_003054.6(SLC18A2):c.259A>G (p.Met87Val)

Gene: SLC18A2 (solute carrier family 18 member A2; plus strand). Cytogenetic location: 10q25.3.
Variant type: single nucleotide variant.
Coding change: c.259A>G on transcript NM_003054.6 (MANE Select); coding-DNA position 259, A replaced by G.
Protein change: p.Met87Val; replaces methionine 87 with valine.
Molecular consequence: missense variant.
Genome position (GRCh38, 1-based): chr10:117,244,108, A>G. VCF-style: chr10-117244108-A-G. GRCh37 (hg19) VCF-style: chr10-119003619-A-G.
Other names: c.259A>G (NM_003054.4); short protein forms M87V.
Identifiers: ClinVar variation 1428266 (VCV001428266.9), dbSNP rs201569242, ClinGen allele CA5710231.

ClinVar aggregate classification (germline): Uncertain significance. Review status: criteria provided, multiple submitters, no conflicts (2 of 4 stars). 2 submissions from 2 submitters: Uncertain significance (2). Last evaluated 2025-11-10.

Conditions:
Inborn genetic diseases. Identifiers: MedGen C0950123, MeSH D030342.

Allele frequency attached by ClinVar (database versions not stated): gnomAD exomes below 0.00001 and 0.00001; gnomAD 0.00001 and 0.00002; ExAC 0.00002; TOPMed 0.00002; 1000 Genomes Project 30x 0.00031; 1000 Genomes Project 0.00040.
gnomAD v4.1: 13 of 1,614,200 alleles (0.00081%); highest among the groups gnomAD compares: Admixed American, 0.0067%; no homozygotes.

Submissions (2):

Labcorp Genetics (formerly Invitae), Labcorp
Classification: Uncertain significance. Last evaluated: 2025-11-10. Review status: criteria provided, single submitter. Criteria: Invitae Variant Classification Sherloc (09022015). Collection method: clinical testing. Allele origin: germline.
Comment: This sequence change replaces methionine, which is neutral and non-polar, with valine, which is neutral and non-polar, at codon 87 of the SLC18A2 protein (p.Met87Val). This variant is present in population databases (rs201569242, gnomAD 0.007%). This variant has not been reported in the literature in individuals affected with SLC18A2-related conditions. ClinVar contains an entry for this variant (Variation ID: 1428266). An algorithm developed to predict the effect of missense changes on protein structure and function outputs the following: PolyPhen-2: "Benign". The valine amino acid residue is found in multiple mammalian species, which suggests that this missense change does not adversely affect protein function. In summary, the available evidence is currently insufficient to determine the role of this variant in disease. Therefore, it has been classified as a Variant of Uncertain Significance.

Ambry Genetics
Classification: Uncertain significance for Inborn genetic diseases. Last evaluated: 2025-04-03. Review status: criteria provided, single submitter. Criteria: Ambry Variant Classification Scheme 2023. Collection method: clinical testing. Allele origin: germline.